The following is an entry in ClinVar:

ClinVar aggregate classification (germline): other (0 of 4 stars; one submission).

Conditions:
Familial colorectal cancer. Identifiers: MedGen CN280943, MONDO:0023113. Disease mechanism: loss of function.

Submission:

Systems Biology Platform Zhejiang California International NanoSystems Institute
Classification: other for Familial colorectal cancer. Review status: no assertion criteria provided. Collection method: not provided. Allele origin: unknown.
ClinVar note: Converted during submission from cancer to other.

NM_000038.6(APC):c.933+939A>C

Gene: APC (APC regulator of WNT signaling pathway; plus strand). Cytogenetic location: 5q22.2.
Variant type: single nucleotide variant.
Coding change: c.933+939A>C on transcript NM_000038.6 (MANE Select); 939 bases into the intron after coding-DNA position 933, A replaced by C.
Molecular consequence: intron variant.
Genome position (GRCh38, 1-based): chr5:112,816,532, A>C. VCF-style: chr5-112816532-A-C. GRCh37 (hg19) VCF-style: chr5-112152229-A-C.
Other names: c.933+939A>C (NM_001354895.2, NM_001127510.3, NM_001354896.2 and 1 more transcripts); c.963+939A>C (NM_001354897.2, NM_001354902.2); c.879+939A>C (NM_001127511.3); c.858+939A>C (NM_001354898.2, NM_001354904.2); c.84+939A>C (NM_001354906.2); c.849+939A>C (NM_001354899.2); c.756+939A>C (NM_001354900.2, NM_001354901.2, NM_001354905.2).
Identifiers: ClinVar variation 82561 (VCV000082561.2), dbSNP rs77670822, ClinGen allele CA015803.